The following is an entry in ClinVar:

ClinVar aggregate classification (germline): Conflicting classifications of pathogenicity. Review status: criteria provided, conflicting classifications (1 of 4 stars). 3 submissions from 3 submitters: Uncertain significance (2); Likely benign (1). Last evaluated 2026-01-17.

Conditions:
Hereditary cancer-predisposing syndrome. Also called: Neoplastic Syndromes, Hereditary; Tumor predisposition; Hereditary Cancer Syndrome; Hereditary neoplastic syndrome. Identifiers: Orphanet 140162, MedGen C0027672, MeSH D009386, MONDO:0015356.
Hereditary breast ovarian cancer syndrome. Also called: Hereditary breast and ovarian cancer; Hereditary breast and ovarian cancer syndrome; Breast and ovarian cancer; Hereditary breast and/or ovarian cancer syndrome; BRCA1- and BRCA2-Associated Hereditary Breast and Ovarian Cancer; Hereditary breast and ovarian cancer syndrome (HBOC). Identifiers: Orphanet 145, MedGen C0677776, MeSH D061325, MONDO:0003582. Disease mechanism: loss of function.

Submissions (3):

Labcorp Genetics (formerly Invitae), Labcorp
Classification: Uncertain significance for Hereditary breast ovarian cancer syndrome. Last evaluated: 2026-01-17. Review status: criteria provided, single submitter. Criteria: Invitae Variant Classification Sherloc (09022015). Collection method: clinical testing. Allele origin: germline.
Comment: This sequence change replaces arginine, which is basic and polar, with methionine, which is neutral and non-polar, at codon 661 of the BRCA1 protein (p.Arg661Met). This variant is not present in population databases (gnomAD no frequency). This variant has not been reported in the literature in individuals affected with BRCA1-related conditions. ClinVar contains an entry for this variant (Variation ID: 1783834). Invitae Evidence Modeling of protein sequence and biophysical properties (such as structural, functional, and spatial information, amino acid conservation, physicochemical variation, residue mobility, and thermodynamic stability) indicates that this missense variant is expected to disrupt BRCA1 protein function with a positive predictive value of 80%. In summary, the available evidence is currently insufficient to determine the role of this variant in disease. Therefore, it has been classified as a Variant of Uncertain Significance.

University of Washington Department of Laboratory Medicine, University of Washington
Classification: Likely benign for Hereditary cancer-predisposing syndrome. Last evaluated: 2023-03-23. Review status: criteria provided, single submitter. Criteria: Dines et al. (Genet Med. 2020). Collection method: curation. Allele origin: germline.
Comment: Missense variant in a coldspot region where missense variants are very unlikely to be pathogenic (PMID:31911673).

BRCA1 coldspot (exon 11 using historical exon numbering). Reclassification based on statistical prior probability

Ambry Genetics
Classification: Uncertain significance for Hereditary cancer-predisposing syndrome. Last evaluated: 2021-05-18. Review status: criteria provided, single submitter. Criteria: Ambry Variant Classification Scheme 2023. Collection method: clinical testing. Allele origin: germline.
Comment: The p.R661M variant (also known as c.1982G>T), located in coding exon 9 of the BRCA1 gene, results from a G to T substitution at nucleotide position 1982. The arginine at codon 661 is replaced by methionine, an amino acid with similar properties. This amino acid position is well conserved in available vertebrate species. In addition, the in silico prediction for this alteration is inconclusive. Since supporting evidence is limited at this time, the clinical significance of this alteration remains unclear.

NM_007294.4(BRCA1):c.1982G>T (p.Arg661Met)

Gene: BRCA1 (BRCA1 DNA repair associated; minus strand). Cytogenetic location: 17q21.31.
Variant type: single nucleotide variant.
Coding change: c.1982G>T on transcript NM_007294.4 (MANE Select); coding-DNA position 1982, G replaced by T.
Protein change: p.Arg661Met; replaces arginine 661 with methionine.
Molecular consequence: missense variant. On other transcripts: intron variant (137).
Genome position (GRCh38, 1-based): chr17:43,093,549, C>A on the plus strand (G>T on the coding strand, the complement: BRCA1 is on the minus strand). VCF-style: chr17-43093549-C-A. GRCh37 (hg19) VCF-style: chr17-41245566-C-A.
Other names: c.1979G>T, p.Arg660Met (NM_001407644.1, NM_001407645.1, NM_001407587.1 and 22 more transcripts); c.1973G>T, p.Arg658Met (NM_001407646.1, NM_001407647.1); c.1859G>T, p.Arg620Met (NM_001407648.1, NM_001407664.1, NM_001407665.1 and 19 more transcripts); c.1856G>T, p.Arg619Met (NM_001407649.1, NM_001407670.1, NM_001407671.1 and 11 more transcripts); c.1982G>T, p.Arg661Met (NM_001407652.1, NM_001407684.1, NM_001407581.1 and 30 more transcripts); c.1904G>T, p.Arg635Met (NM_001407653.1, NM_001407654.1, NM_001407655.1 and 4 more transcripts); c.1901G>T, p.Arg634Met (NM_001407659.1, NM_001407660.1, NM_001407661.1 and 1 more transcripts); c.1841G>T, p.Arg614Met (NM_001407692.1, NM_001407694.1, NM_001407695.1 and 29 more transcripts); and 40 more; short protein forms R493M, R549M, R572M, R573M, R613M, R614M, R619M, R661M.
Identifiers: ClinVar variation 1783834 (VCV001783834.5), dbSNP rs2053848136, ClinGen allele CA10598051.